The following is an entry in ClinVar:

NM_001161403.3(LIMS2):c.66C>A (p.Phe22Leu)

Gene: LIMS2 (LIM zinc finger domain containing 2; minus strand). Cytogenetic location: 2q14.3.
Variant type: single nucleotide variant.
Coding change: c.66C>A on transcript NM_001161403.3 (MANE Select); coding-DNA position 66, C replaced by A.
Protein change: p.Phe22Leu; replaces phenylalanine 22 with leucine.
Molecular consequence: missense variant.
Genome position (GRCh38, 1-based): chr2:127,657,508, G>T on the plus strand (C>A on the coding strand, the complement: LIMS2 is on the minus strand). VCF-style: chr2-127657508-G-T. GRCh37 (hg19) VCF-style: chr2-128415082-G-T.
Other names: c.132C>A, p.Phe44Leu (NM_001136037.4); c.51C>A, p.Phe17Leu (NM_001161404.2); c.138C>A, p.Phe46Leu (NM_017980.5); short protein forms F22L, F44L, F17L, F46L.
Identifiers: ClinVar variation 4768498 (VCV004768498.1).
Genomic context (GRCh38, chr2:127,657,508, plus strand): 5'-CACGAAGCAGTGCTCATGGTACAGCTCCCCATTGCTGTTGACAATGCGCTCGGCGGGGGA[G>T]AAGCGGGCCTGGCAGCGCTGGCACACGGCGTTGGCCAAGGCGTCCGACATATTGCTGGGG-3'
Protein context (NP_001154875.1, residues 12-32): NAVCQRCQAR[Phe22Leu]SPAERIVNSN

ClinVar aggregate classification (germline): Uncertain significance (1 of 4 stars; one submission).

Conditions:
Autosomal recessive limb-girdle muscular dystrophy type 2W (MDRCMTT). Also called: Muscular dystrophy, limb-girdle, type 2W; Muscular dystrophy, autosomal recessive, with cardiomyopathy and triangular tongue. Identifiers: MedGen C4225192, MONDO:0014788, OMIM 616827.

gnomAD v4.1: 2 of 1,612,956 alleles (0.00012%); highest among the groups gnomAD compares: Admixed American, 0.0033%; no homozygotes.

Submission:

Labcorp Genetics (formerly Invitae), Labcorp
Classification: Uncertain significance for Autosomal recessive limb-girdle muscular dystrophy type 2W. Last evaluated: 2025-06-04. Review status: criteria provided, single submitter. Criteria: Invitae Variant Classification Sherloc (09022015). Collection method: clinical testing. Allele origin: germline.
Comment: This sequence change replaces phenylalanine, which is neutral and non-polar, with leucine, which is neutral and non-polar, at codon 44 of the LIMS2 protein (p.Phe44Leu). This variant is present in population databases (no rsID available, gnomAD 0.003%). This variant has not been reported in the literature in individuals affected with LIMS2-related conditions. An algorithm developed to predict the effect of missense changes on protein structure and function (PolyPhen-2) suggests that this variant is likely to be disruptive. In summary, the available evidence is currently insufficient to determine the role of this variant in disease. Therefore, it has been classified as a Variant of Uncertain Significance.